The following is an entry in ClinVar:

NM_025077.4(TOE1):c.787A>G (p.Ser263Gly)

Gene: TOE1 (target of EGR1, exonuclease; plus strand). Cytogenetic location: 1p34.1.
Variant type: single nucleotide variant.
Coding change: c.787A>G on transcript NM_025077.4 (MANE Select); coding-DNA position 787, A replaced by G.
Protein change: p.Ser263Gly; replaces serine 263 with glycine.
Molecular consequence: missense variant.
Genome position (GRCh38, 1-based): chr1:45,342,877, A>G. VCF-style: chr1-45342877-A-G. GRCh37 (hg19) VCF-style: chr1-45808549-A-G.
Other names: short protein forms S263G.
Identifiers: ClinVar variation 1924920 (VCV001924920.5), dbSNP rs1237679186, ClinGen allele CA340140222.

ClinVar aggregate classification (germline): Uncertain significance (1 of 4 stars; one submission).

Allele frequency attached by ClinVar (database versions not stated): gnomAD 0.00002.

Submission:

Labcorp Genetics (formerly Invitae), Labcorp
Classification: Uncertain significance. Last evaluated: 2023-12-11. Review status: criteria provided, single submitter. Criteria: Invitae Variant Classification Sherloc (09022015). Collection method: clinical testing. Allele origin: germline.
Comment: This sequence change replaces serine, which is neutral and polar, with glycine, which is neutral and non-polar, at codon 263 of the TOE1 protein (p.Ser263Gly). This variant is present in population databases (no rsID available, gnomAD 0.02%). This variant has not been reported in the literature in individuals affected with TOE1-related conditions. ClinVar contains an entry for this variant (Variation ID: 1924920). Advanced modeling of protein sequence and biophysical properties (such as structural, functional, and spatial information, amino acid conservation, physicochemical variation, residue mobility, and thermodynamic stability) performed at Invitae indicates that this missense variant is not expected to disrupt TOE1 protein function with a negative predictive value of 80%. In summary, the available evidence is currently insufficient to determine the role of this variant in disease. Therefore, it has been classified as a Variant of Uncertain Significance.